The following is an entry in ClinVar:

NM_015346.4(ZFYVE26):c.7516C>G (p.Gln2506Glu)

Gene: ZFYVE26 (zinc finger FYVE-type containing 26; minus strand). Cytogenetic location: 14q24.1.
Variant type: single nucleotide variant.
Coding change: c.7516C>G on transcript NM_015346.4 (MANE Select); coding-DNA position 7516, C replaced by G.
Protein change: p.Gln2506Glu; replaces glutamine 2506 with glutamic acid.
Molecular consequence: missense variant.
Genome position (GRCh38, 1-based): chr14:67,748,540, G>C on the plus strand (C>G on the coding strand, the complement: ZFYVE26 is on the minus strand). VCF-style: chr14-67748540-G-C. GRCh37 (hg19) VCF-style: chr14-68215257-G-C.
Other names: short protein forms Q2506E.
Identifiers: ClinVar variation 4848895 (VCV004848895.1).

ClinVar aggregate classification (germline): Uncertain significance (1 of 4 stars; one submission).

Submission:

Women's Health and Genetics/Laboratory Corporation of America, LabCorp
Classification: Uncertain significance. Last evaluated: 2026-04-06. Review status: criteria provided, single submitter. Criteria: LabCorp Variant Classification Summary - May 2015. Collection method: clinical testing. Allele origin: germline.
Comment: Variant summary: ZFYVE26 c.7516C>G (p.Gln2506Glu) results in a conservative amino acid change in the encoded protein sequence. Algorithms developed to predict the effect of missense changes on protein structure and function are either unavailable or do not agree on the potential impact of this missense change. The variant was absent in 248850 control chromosomes. The available data on variant occurrences in the general population are insufficient to allow any conclusion about variant significance. To our knowledge, no occurrence of c.7516C>G in individuals affected with ZFYVE26-related conditions and no experimental evidence demonstrating its impact on protein function have been reported. No submitters have cited clinical-significance assessments for this variant to ClinVar. Based on the evidence outlined above, the variant was classified as uncertain significance.